The following is an entry in ClinVar:

ClinVar aggregate classification (germline): Uncertain significance (1 of 4 stars; one submission).

Allele frequency attached by ClinVar (database versions not stated): gnomAD exomes below 0.00001.
gnomAD v4.1: 7 of 1,614,118 alleles (0.00043%); highest among the groups gnomAD compares: Non-Finnish European, 0.00051%; no homozygotes.

Submission:

Labcorp Genetics (formerly Invitae), Labcorp
Classification: Uncertain significance. Last evaluated: 2023-11-27. Review status: criteria provided, single submitter. Criteria: Invitae Variant Classification Sherloc (09022015). Collection method: clinical testing. Allele origin: germline.
Comment: This sequence change replaces threonine, which is neutral and polar, with isoleucine, which is neutral and non-polar, at codon 633 of the NDUFS1 protein (p.Thr633Ile). This variant is not present in population databases (gnomAD no frequency). This variant has not been reported in the literature in individuals affected with NDUFS1-related conditions. ClinVar contains an entry for this variant (Variation ID: 1346324). Advanced modeling of protein sequence and biophysical properties (such as structural, functional, and spatial information, amino acid conservation, physicochemical variation, residue mobility, and thermodynamic stability) performed at Invitae indicates that this missense variant is not expected to disrupt NDUFS1 protein function with a negative predictive value of 80%. In summary, the available evidence is currently insufficient to determine the role of this variant in disease. Therefore, it has been classified as a Variant of Uncertain Significance.

NM_005006.7(NDUFS1):c.1898C>T (p.Thr633Ile)

Gene: NDUFS1 (NADH:ubiquinone oxidoreductase core subunit S1; minus strand). Cytogenetic location: 2q33.3.
Variant type: single nucleotide variant.
Coding change: c.1898C>T on transcript NM_005006.7 (MANE Select); coding-DNA position 1898, C replaced by T.
Protein change: p.Thr633Ile; replaces threonine 633 with isoleucine.
Molecular consequence: missense variant.
Genome position (GRCh38, 1-based): chr2:206,126,831, G>A on the plus strand (C>T on the coding strand, the complement: NDUFS1 is on the minus strand). VCF-style: chr2-206126831-G-A. GRCh37 (hg19) VCF-style: chr2-206991555-G-A.
Other names: c.1790C>T, p.Thr597Ile (NM_001199981.2); c.1565C>T, p.Thr522Ile (NM_001199982.2); c.1727C>T, p.Thr576Ile (NM_001199983.2); c.1940C>T, p.Thr647Ile (NM_001199984.2); short protein forms T522I, T647I, T597I, T576I, T633I.
Identifiers: ClinVar variation 1346324 (VCV001346324.6), dbSNP rs2105943960, ClinGen allele CA350042452.